The following is an entry in ClinVar:

NM_001171.6(ABCC6):c.1835C>T (p.Pro612Leu)

Gene: ABCC6 (ATP binding cassette subfamily C member 6; minus strand). Cytogenetic location: 16p13.11.
Variant type: single nucleotide variant.
Coding change: c.1835C>T on transcript NM_001171.6 (MANE Select); coding-DNA position 1835, C replaced by T.
Protein change: p.Pro612Leu; replaces proline 612 with leucine.
Molecular consequence: missense variant. On other transcripts: non-coding transcript variant (1).
Genome position (GRCh38, 1-based): chr16:16,187,156, G>A on the plus strand (C>T on the coding strand, the complement: ABCC6 is on the minus strand). VCF-style: chr16-16187156-G-A. GRCh37 (hg19) VCF-style: chr16-16281013-G-A.
Other names: c.1493C>T, p.Pro498Leu (NM_001351800.1); short protein forms P498L, P612L.
Identifiers: ClinVar variation 2781888 (VCV002781888.3), dbSNP rs777763168, ClinGen allele CA394889101.

ClinVar aggregate classification (germline): Uncertain significance (1 of 4 stars; one submission).

Allele frequency attached by ClinVar (database versions not stated): gnomAD exomes 0.00001; TOPMed 0.00001.
gnomAD v4.1: 7 of 1,613,602 alleles (0.00043%); highest among the groups gnomAD compares: East Asian, 0.011%; no homozygotes.

Submission:

Labcorp Genetics (formerly Invitae), Labcorp
Classification: Uncertain significance. Last evaluated: 2022-11-19. Review status: criteria provided, single submitter. Criteria: Invitae Variant Classification Sherloc (09022015). Collection method: clinical testing. Allele origin: germline.
Comment: In summary, the available evidence is currently insufficient to determine the role of this variant in disease. Therefore, it has been classified as a Variant of Uncertain Significance. Algorithms developed to predict the effect of missense changes on protein structure and function (SIFT, PolyPhen-2, Align-GVGD) all suggest that this variant is likely to be tolerated. This variant has not been reported in the literature in individuals affected with ABCC6-related conditions. This variant is present in population databases (no rsID available, gnomAD 0.0009%). This sequence change replaces proline, which is neutral and non-polar, with leucine, which is neutral and non-polar, at codon 612 of the ABCC6 protein (p.Pro612Leu).